The following is an entry in ClinVar:

NM_000222.3(KIT):c.1885G>A (p.Ala629Thr)

Gene: KIT (KIT proto-oncogene, receptor tyrosine kinase; plus strand). Cytogenetic location: 4q12.
Variant type: single nucleotide variant.
Coding change: c.1885G>A on transcript NM_000222.3 (MANE Select); coding-DNA position 1885, G replaced by A.
Protein change: p.Ala629Thr; replaces alanine 629 with threonine.
Molecular consequence: missense variant.
Genome position (GRCh38, 1-based): chr4:54,728,016, G>A. VCF-style: chr4-54728016-G-A. GRCh37 (hg19) VCF-style: chr4-55594182-G-A.
Other names: c.1873G>A, p.Ala625Thr (NM_001093772.2, NM_001385286.1); c.1888G>A, p.Ala630Thr (NM_001385284.1, NM_001385290.1); c.1885G>A, p.Ala629Thr (NM_001385285.1); c.1876G>A, p.Ala626Thr (NM_001385288.1, NM_001385292.1); short protein forms A625T, A626T, A629T, A630T.
Identifiers: ClinVar variation 1706125 (VCV001706125.4), dbSNP rs2109781192, ClinGen allele CA356908385.

ClinVar aggregate classification (germline): Uncertain significance. Review status: criteria provided, multiple submitters, no conflicts (2 of 4 stars). 2 submissions from 2 submitters: Uncertain significance (2). Last evaluated 2023-03-16.

Conditions:
Hereditary cancer-predisposing syndrome. Also called: Tumor predisposition; Neoplastic Syndromes, Hereditary; Hereditary Cancer Syndrome; Hereditary neoplastic syndrome. Identifiers: Orphanet 140162, MedGen C0027672, MeSH D009386, MONDO:0015356.

Submissions (2):

Ambry Genetics
Classification: Uncertain significance for Hereditary cancer-predisposing syndrome. Last evaluated: 2023-03-16. Review status: criteria provided, single submitter. Criteria: Ambry Variant Classification Scheme 2023. Collection method: clinical testing. Allele origin: germline.
Comment: The p.A629T variant (also known as c.1885G>A), located in coding exon 13 of the KIT gene, results from a G to A substitution at nucleotide position 1885. The alanine at codon 629 is replaced by threonine, an amino acid with similar properties. This amino acid position is highly conserved in available vertebrate species. In addition, the in silico prediction for this alteration is inconclusive. The evidence for this gene-disease relationship is limited; therefore, the clinical significance of this alteration is unclear.

GeneDx
Classification: Uncertain significance. Last evaluated: 2022-03-16. Review status: criteria provided, single submitter. Criteria: GeneDx Variant Classification Process June 2021. Collection method: clinical testing. Allele origin: germline. Affected: yes.
Comment: Not observed at significant frequency in large population cohorts (gnomAD); In silico analysis supports that this missense variant has a deleterious effect on protein structure/function; Has not been previously published as pathogenic or benign to our knowledge